The following is an entry in ClinVar:

ClinVar aggregate classification (germline): Uncertain significance. Review status: criteria provided, multiple submitters, no conflicts (2 of 4 stars). 2 submissions from 2 submitters: Uncertain significance (2). Last evaluated 2025-05-03.

Allele frequency attached by ClinVar (database versions not stated): ExAC 0.00002.
gnomAD v4.1: 20 of 1,602,524 alleles (0.0012%); highest among the groups gnomAD compares: Admixed American, 0.0084%; no homozygotes.

Submissions (2):

Labcorp Genetics (formerly Invitae), Labcorp
Classification: Uncertain significance. Last evaluated: 2025-05-03. Review status: criteria provided, single submitter. Criteria: Invitae Variant Classification Sherloc (09022015). Collection method: clinical testing. Allele origin: germline.
Comment: This sequence change replaces valine, which is neutral and non-polar, with methionine, which is neutral and non-polar, at codon 926 of the RTTN protein (p.Val926Met). This variant is present in population databases (rs762457826, gnomAD 0.008%). This variant has not been reported in the literature in individuals affected with RTTN-related conditions. ClinVar contains an entry for this variant (Variation ID: 2572351). Invitae Evidence Modeling of protein sequence and biophysical properties (such as structural, functional, and spatial information, amino acid conservation, physicochemical variation, residue mobility, and thermodynamic stability) indicates that this missense variant is not expected to disrupt RTTN protein function with a negative predictive value of 80%. In summary, the available evidence is currently insufficient to determine the role of this variant in disease. Therefore, it has been classified as a Variant of Uncertain Significance.

Greenwood Genetic Center Diagnostic Laboratories, Greenwood Genetic Center
Classification: Uncertain significance. Last evaluated: 2023-04-03. Review status: criteria provided, single submitter. Criteria: ACMG Guidelines, 2015. Collection method: clinical testing. Allele origin: germline. Affected: yes.
Comment: PM2, BP4

NM_173630.4(RTTN):c.2776G>A (p.Val926Met)

Gene: RTTN (rotatin; minus strand). Cytogenetic location: 18q22.2.
Variant type: single nucleotide variant.
Coding change: c.2776G>A on transcript NM_173630.4 (MANE Select); coding-DNA position 2776, G replaced by A.
Protein change: p.Val926Met; replaces valine 926 with methionine.
Molecular consequence: missense variant.
Genome position (GRCh38, 1-based): chr18:70,139,611, C>T on the plus strand (G>A on the coding strand, the complement: RTTN is on the minus strand). VCF-style: chr18-70139611-C-T. GRCh37 (hg19) VCF-style: chr18-67806847-C-T.
Other names: c.40G>A, p.Val14Met (NM_001318520.2); short protein forms V14M, V926M.
Identifiers: ClinVar variation 2572351 (VCV002572351.4), dbSNP rs762457826, ClinGen allele CA8995778.